The following is an entry in ClinVar:

ClinVar aggregate classification (germline): Uncertain significance (1 of 4 stars; one submission).

Conditions:
Primary ciliary dyskinesia. Also called: Ciliary dyskinesia. Identifiers: Orphanet 244, MedGen C0008780, MONDO:0016575, HP:0012265.

Allele frequency attached by ClinVar (database versions not stated): gnomAD exomes below 0.00001 and 0.00001; gnomAD 0.00001; TOPMed 0.00002.
gnomAD v4.1: 16 of 1,613,880 alleles (0.00099%); highest among the groups gnomAD compares: Non-Finnish European, 0.0014%; no homozygotes.

Submission:

Labcorp Genetics (formerly Invitae), Labcorp
Classification: Uncertain significance for Primary ciliary dyskinesia. Last evaluated: 2021-08-28. Review status: criteria provided, single submitter. Criteria: Invitae Variant Classification Sherloc (09022015). Collection method: clinical testing. Allele origin: germline.
Comment: This sequence change replaces glutamic acid with lysine at codon 699 of the DNAAF1 protein (p.Glu699Lys). The glutamic acid residue is weakly conserved and there is a small physicochemical difference between glutamic acid and lysine. This variant is not present in population databases (ExAC no frequency). This variant has not been reported in the literature in individuals affected with DNAAF1-related conditions. Algorithms developed to predict the effect of missense changes on protein structure and function (SIFT, PolyPhen-2, Align-GVGD) all suggest that this variant is likely to be tolerated. In summary, the available evidence is currently insufficient to determine the role of this variant in disease. Therefore, it has been classified as a Variant of Uncertain Significance.

NM_178452.6(DNAAF1):c.2095G>A (p.Glu699Lys)

Gene: DNAAF1 (dynein axonemal assembly factor 1; plus strand). Cytogenetic location: 16q24.1.
Variant type: single nucleotide variant.
Coding change: c.2095G>A on transcript NM_178452.6 (MANE Select); coding-DNA position 2095, G replaced by A.
Protein change: p.Glu699Lys; replaces glutamic acid 699 with lysine.
Molecular consequence: missense variant.
Genome position (GRCh38, 1-based): chr16:84,177,758, G>A. VCF-style: chr16-84177758-G-A. GRCh37 (hg19) VCF-style: chr16-84211364-G-A.
Other names: c.1387G>A, p.Glu463Lys (NM_001318756.1); short protein forms E699K, E463K.
Identifiers: ClinVar variation 834680 (VCV000834680.7), dbSNP rs1428022614, ClinGen allele CA396951920.